The following is an entry in ClinVar:

NM_000540.3(RYR1):c.13417A>G (p.Ile4473Val)

Gene: RYR1 (ryanodine receptor 1; plus strand). Cytogenetic location: 19q13.2.
Variant type: single nucleotide variant.
Coding change: c.13417A>G on transcript NM_000540.3 (MANE Select); coding-DNA position 13417, A replaced by G.
Protein change: p.Ile4473Val; replaces isoleucine 4473 with valine.
Molecular consequence: missense variant.
Genome position (GRCh38, 1-based): chr19:38,565,751, A>G. VCF-style: chr19-38565751-A-G. GRCh37 (hg19) VCF-style: chr19-39056391-A-G.
Other names: c.13402A>G, p.Ile4468Val (NM_001042723.2); short protein forms I4473V, I4468V.
Identifiers: ClinVar variation 478184 (VCV000478184.6), dbSNP rs1162688814, ClinGen allele CA405675780.

ClinVar aggregate classification (germline): Uncertain significance (1 of 4 stars; one submission).

Conditions:
RYR1-related disorder. Also called: RYR1-related condition; RYR1-related disorders. Identifiers: MedGen CN239331.

Allele frequency attached by ClinVar (database versions not stated): gnomAD 0.00002; TOPMed 0.00002.

Submission:

Labcorp Genetics (formerly Invitae), Labcorp
Classification: Uncertain significance for RYR1-related disorder. Last evaluated: 2021-08-24. Review status: criteria provided, single submitter. Criteria: Invitae Variant Classification Sherloc (09022015). Collection method: clinical testing. Allele origin: germline.
Comment: This sequence change replaces isoleucine with valine at codon 4473 of the RYR1 protein (p.Ile4473Val). The isoleucine residue is moderately conserved and there is a small physicochemical difference between isoleucine and valine. The frequency data for this variant in the population databases is considered unreliable, as metrics indicate insufficient coverage at this position in the ExAC database. This variant has not been reported in the literature in individuals affected with RYR1-related conditions. Algorithms developed to predict the effect of missense changes on protein structure and function (SIFT, PolyPhen-2, Align-GVGD) all suggest that this variant is likely to be tolerated. In summary, the available evidence is currently insufficient to determine the role of this variant in disease. Therefore, it has been classified as a Variant of Uncertain Significance.